The following is an entry in ClinVar:

ClinVar aggregate classification (germline): Uncertain significance (1 of 4 stars; one submission).

Submission:

GeneDx
Classification: Uncertain significance. Last evaluated: 2022-11-21. Review status: criteria provided, single submitter. Criteria: GeneDx Variant Classification Process June 2021. Collection method: clinical testing. Allele origin: germline. Affected: yes.
Comment: Not observed at significant frequency in large population cohorts (gnomAD); In silico analysis supports that this missense variant does not alter protein structure/function; Has not been previously published as pathogenic or benign to our knowledge

NM_001372044.2(SHANK3):c.3626C>G (p.Pro1209Arg)

Gene: SHANK3 (SH3 and multiple ankyrin repeat domains 3; plus strand). Cytogenetic location: 22q13.33.
Variant type: single nucleotide variant.
Coding change: c.3626C>G on transcript NM_001372044.2 (MANE Select); coding-DNA position 3626, C replaced by G.
Protein change: p.Pro1209Arg; replaces proline 1209 with arginine.
Molecular consequence: missense variant.
Genome position (GRCh38, 1-based): chr22:50,721,234, C>G. VCF-style: chr22-50721234-C-G. GRCh37 (hg19) VCF-style: chr22-51159662-C-G.
Other names: c.3401C>G, p.Pro1134Arg (NM_033517.1); short protein forms P1134R, P1209R.
Identifiers: ClinVar variation 2502800 (VCV002502800.1), dbSNP rs769454362, ClinGen allele CA515261525.
Genomic context (GRCh38, chr22:50,721,234, plus strand): 5'-CCCGAGAGCGAGCTCTGGCCTCCCAGGCGCCCTCCCGGTCCCCCACACCCGTGCACAGTC[C>G]CGACGCCGACCGCCCCGGACCCCTGTTTGTGGATGTACAGGCCCGGGACCCAGAGCGAGG-3'
Protein context (NP_001358973.1, residues 1199-1219): PSRSPTPVHS[Pro1209Arg]DADRPGPLFV